The following is an entry in ClinVar:

ClinVar aggregate classification (germline): Pathogenic. Review status: criteria provided, multiple submitters, no conflicts (2 of 4 stars). 11 submissions from 11 submitters: Pathogenic (11). Last evaluated 2025-12-15.

Conditions:
Inborn genetic diseases. Identifiers: MedGen C0950123, MeSH D030342.
Early-infantile DEE. Also called: Ohtahara syndrome; Early infantile epileptic encephalopathy; Early infantile epileptic encephalopathy with suppression bursts. Identifiers: Orphanet 1934, MedGen C0393706, MONDO:0800491.
SCN1A-related disorder. Also called: SCN1A-related conditions; SCN1A-related condition; SCN1A-related disorders.
Severe myoclonic epilepsy in infancy (DRVT). Also called: SEVERE MYOCLONIC EPILEPSY OF INFANCY; DEVELOPMENTAL AND EPILEPTIC ENCEPHALOPATHY 6A; Severe Myoclonic Epilepsy in Infancy (SMEI); Dravet syndrome; Epileptic encephalopathy, early infantile, 6 (Dravet syndrome). Identifiers: Orphanet 33069, MedGen C0751122, MONDO:0100135, OMIM 607208.

Submissions (11):

3billion
Classification: Pathogenic for SCN1A-related disorder. Last evaluated: 2025-12-15. Review status: criteria provided, single submitter. Criteria: ACMG Guidelines, 2015. Collection method: clinical testing. Allele origin: germline. Affected: yes.
Comment: The variant is not observed in the gnomAD v4.1.0 dataset. Predicted Consequence/Location: Stop-gained (nonsense): predicted to result in a loss or disruption of normal protein function through nonsense-mediated decay (NMD) or protein truncation. Multiple pathogenic variants are reported downstream of the variant. The variant has been reported at least twice as pathogenic with clinical assertions and evidence for the classification (ClinVar ID: VCV000189892 /PMID: 18930999). Therefore, this variant is classified as Pathogenic according to the recommendation of ACMG/AMP guideline.

Ambry Genetics
Classification: Pathogenic for Inborn genetic diseases. Last evaluated: 2025-10-14. Review status: criteria provided, single submitter. Criteria: Ambry Variant Classification Scheme 2023. Collection method: clinical testing. Allele origin: germline.
Comment: The c.1738C>T (p.R580*) alteration, located in exon 11 (coding exon 11) of the SCN1A gene, consists of a C to T substitution at nucleotide position 1738. This changes the amino acid from an arginine (R) to a stop codon at amino acid position 580. This alteration is expected to result in loss of function by premature protein truncation or nonsense-mediated mRNA decay. for Dravet syndrome; however, its clinical significance for SCN1A-related developmental and epileptic encephalopathy, SCN1A-related hemiplegic migraine, and SCN1A-related generalized epilepsy with febrile seizures plus is uncertain. This variant was not reported in population-based cohorts in the Genome Aggregation Database (gnomAD). This variant was reported in individual(s) with features consistent with Dravet syndrome; in at least one individual, it was determined to be de novo (Depienne, 2010; Leu, 2015; Zou, 2021; Syu, 2025). Based on the available evidence, this alteration is classified as pathogenic.

Labcorp Genetics (formerly Invitae), Labcorp
Classification: Pathogenic for Early-infantile DEE. Last evaluated: 2025-09-11. Review status: criteria provided, single submitter. Criteria: Invitae Variant Classification Sherloc (09022015). Collection method: clinical testing. Allele origin: germline.
Comment: This sequence change creates a premature translational stop signal (p.Arg580*) in the SCN1A gene. It is expected to result in an absent or disrupted protein product. Loss-of-function variants in SCN1A are known to be pathogenic (PMID: 17347258, 18930999). This variant is not present in population databases (gnomAD no frequency). This premature translational stop signal has been observed in individual(s) with Dravet syndrome (PMID: 18930999, 20110217, 20522430, 24502503, 25206388). ClinVar contains an entry for this variant (Variation ID: 189892). For these reasons, this variant has been classified as Pathogenic.

GeneDx
Classification: Pathogenic. Last evaluated: 2025-04-03. Review status: criteria provided, single submitter. Criteria: GeneDx Variant Classification Process June 2021. Collection method: clinical testing. Allele origin: germline. Affected: yes.
Comment: Identified in siblings with Dravet syndrome and seizures with possible maternal mosaicism in published literature (PMID: 20522430); Nonsense variant predicted to result in protein truncation or nonsense mediated decay in a gene for which loss of function is a known mechanism of disease; Not observed at significant frequency in large population cohorts (gnomAD); This variant is associated with the following publications: (PMID: 25525159, 22151702, 24502503, 25754450, 30368457, 31864146, 32090326, 34055682, 35074891, 34145886, 31440721, 25206388, 20110217, 26096185, 18930999, 38250573, 20522430, 30945278, 38785537, 30619928)

Blueprint Genetics
Classification: Pathogenic for SCN1A-related disorders. Last evaluated: 2024-03-14. Review status: criteria provided, single submitter. Criteria: ACMG Guidelines, 2015. Collection method: clinical testing. Allele origin: germline. Affected: yes. Observed: 2 variant alleles.

Institute of Human Genetics, University of Leipzig Medical Center
Classification: Pathogenic for Severe myoclonic epilepsy in infancy. Last evaluated: 2023-10-09. Review status: criteria provided, single submitter. Criteria: ACMG Guidelines, 2015. Collection method: clinical testing. Allele origin: de novo. Inheritance: Autosomal dominant inheritance. Affected: yes.
Comment: Criteria applied: PVS1,PS4,PM2_SUP,PS2

PreventionGenetics, part of Exact Sciences
Classification: Pathogenic for SCN1A-related condition. Last evaluated: 2023-02-11. Review status: criteria provided, single submitter. Criteria: ACMG Guidelines, 2015. Collection method: clinical testing. Allele origin: germline.
Comment: The SCN1A c.1738C>T variant is predicted to result in premature protein termination (p.Arg580*). This variant has been reported in multiple individuals with epilepsy/Dravet syndrome; in at least two patients it was reported to have occurred de novo, and in a third it was described as an inherited variant that was not detectable in the parents, suggesting parental germline mosaicism (Depienne et al. 2009. PubMed ID: 18930999; Takayama et al. 2014. PubMed ID: 24502503; Kong et al. 2018. PubMed ID: 30619928; Jiao et al. 2019. PubMed ID: 30945278). This variant has not been reported in a large population database, indicating it is rare. Nonsense variants in SCN1A are expected to be pathogenic. Taken together, this variant is interpreted as pathogenic.

Unidad de Genómica Garrahan, Hospital de Pediatría Garrahan
Classification: Pathogenic for Severe myoclonic epilepsy in infancy. Last evaluated: 2023-01-01. Review status: criteria provided, single submitter. Criteria: ACMG Guidelines, 2015. Collection method: clinical testing. Allele origin: germline. Affected: yes. Observed: 1 variant allele.

Revvity Omics, Revvity
Classification: Pathogenic. Last evaluated: 2022-08-10. Review status: criteria provided, single submitter. Criteria: ACMG Guidelines, 2015. Collection method: clinical testing. Allele origin: germline.

Center for Bioinformatics, Peking University
Classification: Pathogenic for Dravet syndrome. Last evaluated: 2014-12-20. Review status: criteria provided, single submitter. Criteria: Xu et al. (Hum Mutat. 2015). Collection method: research. Allele origin: de novo. Affected: yes. Observed: 1 variant allele. Study: University Clinical Cooperation “985 Project” PKU-2014-1-1.
Comment: Dravet syndrome (DS) probands were recruited from the outpatient and inpatient child neurology units of Peking University First Hospital from 2005 till present. The study was approved by the Ethics Committee of Peking University First Hospital and the Institutional Review Board at Peking University. Participants or their parents provided written informed consent before enrollment. We collected a total of 267 mutations from 255 families with probands diagnosed with DS in China. All probands fulfilled the clinical diagnostic criteria.

Lifecell International Pvt. Ltd
Classification: Pathogenic for Severe myoclonic epilepsy in infancy. Review status: criteria provided, single submitter. Criteria: ACMG Guidelines, 2015. Collection method: clinical testing. Allele origin: germline. Inheritance: Autosomal dominant inheritance. Affected: yes. Observed: 1 variant allele, 1 heterozygote.
Comment: A heterozygous nonsense variation in exon 14 of the SCN1A gene (c.1738C>T) that results in a stop codon and premature truncation of the protein at codon 580 (p.Arg580Ter) was detected. The observed variant is not reported in 1000 genome database and gnomAD database. The reference base is conserved across the species and in-silico predictions by CADD and Mutation taster are damaging. The gene SCN1A has a low rate of benign loss of function variants as indicated by a high LoF variants Z-Score of 7.90. The p.Arg580Ter variant is a loss of function variant in the gene SCN1A, which is intolerant of Loss of Function variants, as indicated by the presence of existing pathogenic loss of function variant NP_001159435.1:p.Met1Ile and 385 others. There are 254 downstream pathogenic loss of function variants, with the furthest variant being 1346 residues downstream of the variant p.Arg580Ter. This variant has previously been reported for seizure-related syndromes by Kong et al., 2019. Based on the above evidence this variant has been classified as pathogenic according to the ACMG guidelines.

Literature cited by the submitters: PubMed 18930999 (cited by 3billion and Labcorp Genetics (formerly Invitae), Labcorp); PubMed 20522430 (cited by Ambry Genetics and Labcorp Genetics (formerly Invitae), Labcorp); PubMed 26501104 (cited by Ambry Genetics); PubMed 34145886 (cited by Ambry Genetics); PubMed 39181834 (cited by Ambry Genetics); PubMed 17347258 (cited by Labcorp Genetics (formerly Invitae), Labcorp); PubMed 20110217 (cited by Labcorp Genetics (formerly Invitae), Labcorp); PubMed 24502503 (cited by Labcorp Genetics (formerly Invitae), Labcorp); PubMed 25206388 (cited by Labcorp Genetics (formerly Invitae), Labcorp).

NM_001165963.4(SCN1A):c.1738C>T (p.Arg580Ter)

Gene: SCN1A (sodium voltage-gated channel alpha subunit 1; minus strand). Cytogenetic location: 2q24.3.
Variant type: single nucleotide variant.
Coding change: c.1738C>T on transcript NM_001165963.4 (MANE Select); coding-DNA position 1738, C replaced by T.
Protein change: p.Arg580Ter; replaces arginine 580 with a stop codon.
Molecular consequence: nonsense. On other transcripts: 5 prime UTR variant (1), non-coding transcript variant (1).
Genome position (GRCh38, 1-based): chr2:166,043,974, G>A on the plus strand (C>T on the coding strand, the complement: SCN1A is on the minus strand). VCF-style: chr2-166043974-G-A. GRCh37 (hg19) VCF-style: chr2-166900484-G-A.
Other names: NP_001159435.1:p.(Arg580Ter); c.1738C>T, p.Arg580Ter (NM_001165964.3, NM_001202435.3, NM_001353948.2 and 7 more transcripts); c.1735C>T, p.Arg579Ter (NM_001353954.2, NM_001353955.2, NM_001353960.2); c.-688C>T (NM_001353961.2); c.1738C>T (NM_001202435.1); short protein forms R580*, R579*.
Identifiers: ClinVar variation 189892 (VCV000189892.22), dbSNP rs794726736, ClinGen allele CA303224.
Genomic context (GRCh38, chr2:166,043,974, plus strand): 5'-CCTCAAAGGTGCTGTGCTCATCATCTGCGAAGTCGTTCTCAGATCCCACATCCTTTGCTC[G>A]CCCTCTAAAGCTGAAAAGGCTTGTTCTGCTATTTCGCCTTGGTGAAAATAGGGAGCCACG-3'